The following is an entry in ClinVar:

NM_001365951.3(KIF1B):c.4834A>C (p.Ile1612Leu)

Gene: KIF1B (kinesin family member 1B; plus strand). Cytogenetic location: 1p36.22.
Variant type: single nucleotide variant.
Coding change: c.4834A>C on transcript NM_001365951.3 (MANE Select); coding-DNA position 4834, A replaced by C.
Protein change: p.Ile1612Leu; replaces isoleucine 1612 with leucine.
Molecular consequence: missense variant.
Genome position (GRCh38, 1-based): chr1:10,371,150, A>C. VCF-style: chr1-10371150-A-C. GRCh37 (hg19) VCF-style: chr1-10431208-A-C.
Other names: c.4834A>C, p.Ile1612Leu (NM_001365952.1); c.4696A>C, p.Ile1566Leu (NM_015074.3); short protein forms I1566L, I1612L.
Identifiers: ClinVar variation 2737466 (VCV002737466.4), dbSNP rs2521951554, ClinGen allele CA338327179.

ClinVar aggregate classification (germline): Uncertain significance. Review status: criteria provided, multiple submitters, no conflicts (2 of 4 stars). 2 submissions from 2 submitters: Uncertain significance (2). Last evaluated 2024-05-09.

Conditions:
Charcot-Marie-Tooth disease type 2. Also called: Charcot-Marie-Tooth type 2. Identifiers: Orphanet 64746, MedGen C0270914, MONDO:0018993.

Allele frequency attached by ClinVar (database versions not stated): gnomAD exomes below 0.00001.
gnomAD v4.1: 3 of 1,614,044 alleles (0.00019%); highest among the groups gnomAD compares: Non-Finnish European, 0.00025%; no homozygotes.

Submissions (2):

Ambry Genetics
Classification: Uncertain significance. Last evaluated: 2024-05-09. Review status: criteria provided, single submitter. Criteria: Ambry Variant Classification Scheme 2023. Collection method: clinical testing. Allele origin: germline.
Comment: The p.I1566L variant (also known as c.4696A>C), located in coding exon 42 of the KIF1B gene, results from an A to C substitution at nucleotide position 4696. The isoleucine at codon 1566 is replaced by leucine, an amino acid with highly similar properties. This amino acid position is conserved. In addition, this alteration is predicted to be tolerated by in silico analysis. Based on the available evidence, the clinical significance of this variant remains unclear.

Labcorp Genetics (formerly Invitae), Labcorp
Classification: Uncertain significance for Charcot-Marie-Tooth disease type 2. Last evaluated: 2023-07-28. Review status: criteria provided, single submitter. Criteria: Invitae Variant Classification Sherloc (09022015). Collection method: clinical testing. Allele origin: germline.
Comment: This sequence change replaces isoleucine, which is neutral and non-polar, with leucine, which is neutral and non-polar, at codon 1566 of the KIF1B protein (p.Ile1566Leu). This variant is not present in population databases (gnomAD no frequency). This variant has not been reported in the literature in individuals affected with KIF1B-related conditions. Algorithms developed to predict the effect of missense changes on protein structure and function output the following: SIFT: "Not Available"; PolyPhen-2: "Possibly Damaging"; Align-GVGD: "Not Available". The leucine amino acid residue is found in multiple mammalian species, which suggests that this missense change does not adversely affect protein function. In summary, the available evidence is currently insufficient to determine the role of this variant in disease. Therefore, it has been classified as a Variant of Uncertain Significance.